The following is an entry in ClinVar:

ClinVar aggregate classification (germline): Uncertain significance (1 of 4 stars; one submission).

Submission:

Women's Health and Genetics/Laboratory Corporation of America, LabCorp
Classification: Uncertain significance. Last evaluated: 2025-09-08. Review status: criteria provided, single submitter. Criteria: LabCorp Variant Classification Summary - May 2015. Collection method: clinical testing. Allele origin: germline.
Comment: Variant summary: The variant involves the deletion of exons 11-12 in the FBN2 gene. This Copy Number Variant (CNV) is predicted to result in an in-frame deletion within this gene. A presumed nomenclature of c.(1465+1_1466-1)_(1723+1_1724-1)del has been designated for the purposes of this classification. Current evidence is not sufficient to establish loss of function as a mechanism for disease. The variant was absent in 21694 control chromosomes. The available data on variant occurrences in the general population are insufficient to allow any conclusion about variant significance. To our knowledge, no occurrence of c.(1465+1_1466-1)_(1723+1_1724-1)del in individuals affected with FBN2-related conditions and no experimental evidence demonstrating its impact on protein function have been reported. No submitters have cited clinical-significance assessments for this variant to ClinVar. Based on the evidence outlined above, the variant was classified as uncertain significance.

NC_000005.9:g.(127713571_127714463)_(127727849_127728827)del

Gene: FBN2 (fibrillin 2; minus strand). Cytogenetic location: 5q23.3.
Variant type: Deletion.
Identifiers: ClinVar variation 3374985 (VCV003374985.2).